The following is an entry in ClinVar:

ClinVar aggregate classification (germline): Uncertain significance (1 of 4 stars; one submission).

gnomAD v4.1: 1 of 1,613,648 alleles (0.000062%); highest among the groups gnomAD compares: South Asian, 0.0011%; no homozygotes.

Submission:

Ambry Genetics
Classification: Uncertain significance. Last evaluated: 2021-12-04. Review status: criteria provided, single submitter. Criteria: Ambry Variant Classification Scheme 2023. Collection method: clinical testing. Allele origin: germline.
Comment: The p.G845S variant (also known as c.2533G>A), located in coding exon 4 of the ALPK2 gene, results from a G to A substitution at nucleotide position 2533. The glycine at codon 845 is replaced by serine, an amino acid with similar properties. This amino acid position is conserved. In addition, this alteration is predicted to be tolerated by in silico analysis. Since supporting evidence is limited at this time, the clinical significance of this alteration remains unclear.

NM_052947.4(ALPK2):c.2533G>A (p.Gly845Ser)

Gene: ALPK2 (alpha kinase 2; minus strand). Cytogenetic location: 18q21.31.
Variant type: single nucleotide variant.
Coding change: c.2533G>A on transcript NM_052947.4 (MANE Select); coding-DNA position 2533, G replaced by A.
Protein change: p.Gly845Ser; replaces glycine 845 with serine.
Molecular consequence: missense variant.
Genome position (GRCh38, 1-based): chr18:58,537,654, C>T on the plus strand (G>A on the coding strand, the complement: ALPK2 is on the minus strand). VCF-style: chr18-58537654-C-T. GRCh37 (hg19) VCF-style: chr18-56204886-C-T.
Other names: short protein forms G845S.
Identifiers: ClinVar variation 1792731 (VCV001792731.2), dbSNP rs2051660653, ClinGen allele CA402570326.